The following is an entry in ClinVar:

NM_001303457.2(TTI1):c.1317C>T (p.Asp439=)

Gene: TTI1 (TELO2 interacting protein 1; minus strand). Cytogenetic location: 20q11.23.
Variant type: single nucleotide variant.
Coding change: c.1317C>T on transcript NM_001303457.2 (MANE Select); coding-DNA position 1317, C replaced by T.
Protein change: p.Asp439=; no amino-acid change (aspartic acid 439 retained).
Molecular consequence: synonymous variant.
Genome position (GRCh38, 1-based): chr20:38,012,500, G>A on the plus strand (C>T on the coding strand, the complement: TTI1 is on the minus strand). VCF-style: chr20-38012500-G-A. GRCh37 (hg19) VCF-style: chr20-36640902-G-A.
Other names: c.1317C>T, p.Asp439= (NM_014657.3).
Identifiers: ClinVar variation 4821405 (VCV004821405.4).

ClinVar aggregate classification (germline): Likely benign (1 of 4 stars; one submission).

Submission:

CeGaT Center for Human Genetics Tuebingen
Classification: Likely benign. Last evaluated: 2026-03-01. Review status: criteria provided, single submitter. Criteria: CeGaT Center For Human Genetics Tuebingen Variant Classification Criteria Version 2. Collection method: clinical testing. Allele origin: germline. Affected: yes. Observed: 1 variant allele.
Comment: TTI1: BP4, BP7